The following is an entry in ClinVar:

ClinVar aggregate classification (germline): Pathogenic (1 of 4 stars; one submission).

Conditions:
Neonatal encephalomyopathy-cardiomyopathy-respiratory distress syndrome. Also called: Coenzyme Q10 deficiency, primary, 7. Identifiers: Orphanet 457185, MedGen C5568562, MONDO:0014562, OMIM 616276.

Submission:

Labcorp Genetics (formerly Invitae), Labcorp
Classification: Pathogenic for Neonatal encephalomyopathy-cardiomyopathy-respiratory distress syndrome. Last evaluated: 2022-10-19. Review status: criteria provided, single submitter. Criteria: Invitae Variant Classification Sherloc (09022015). Collection method: clinical testing. Allele origin: germline.
Comment: This variant is present in population databases (rs768657503, gnomAD 0.003%). This sequence change creates a premature translational stop signal (p.Thr44Alafs*17) in the COQ4 gene. It is expected to result in an absent or disrupted protein product. Loss-of-function variants in COQ4 are known to be pathogenic (PMID: 25658047). This variant has not been reported in the literature in individuals affected with COQ4-related conditions. For these reasons, this variant has been classified as Pathogenic.

Literature cited by the submitters: PubMed 25658047.

NM_016035.5(COQ4):c.130_137del (p.Thr44fs)

Genes: COQ4 (coenzyme Q4; plus strand), LOC130002704 (ATAC-STARR-seq lymphoblastoid silent region 20335; plus strand). Cytogenetic location: 9q34.11.
Variant type: Microsatellite.
Coding change: c.130_137del on transcript NM_016035.5 (MANE Select); coding-DNA positions 130 to 137, 8 bases deleted (ACCTCCCC; older notation c.130_137delACCTCCCC).
Protein change: p.Thr44fs; shifts the reading frame from threonine 44.
Molecular consequence: frameshift variant.
Genome position (GRCh38, 1-based): chr9:128,323,075-128,323,082, ACCTCCCC deleted; deleting any 8 consecutive bases within chr9:128,323,065-128,323,082 gives the same sequence; the c. name uses the placement nearest the transcript's 3' end. VCF-style (leftmost placement, unchanged base first): chr9-128323064-ACCACCTCC-A. GRCh37 (hg19) VCF-style: chr9-131085343-ACCACCTCC-A.
Other names: c.130_137del, p.Thr44fs (NM_001305942.2); short protein forms T44fs.
Identifiers: ClinVar variation 3017586 (VCV003017586.3), dbSNP rs749504112, ClinGen allele CA5260411.